The following is an entry in ClinVar:

ClinVar aggregate classification (germline): Likely benign (1 of 4 stars; one submission).

Submission:

CeGaT Center for Human Genetics Tuebingen
Classification: Likely benign. Last evaluated: 2026-07-01. Review status: criteria provided, single submitter. Criteria: CeGaT Center For Human Genetics Tuebingen Variant Classification Criteria Version 2. Collection method: clinical testing. Allele origin: germline. Affected: yes. Observed: 3 variant alleles.
Comment: UBC: BP4, BP7

NM_021009.7(UBC):c.1644A>G (p.Glu548=)

Gene: UBC (ubiquitin C; minus strand). Cytogenetic location: 12q24.31.
Variant type: single nucleotide variant.
Coding change: c.1644A>G on transcript NM_021009.7 (MANE Select); coding-DNA position 1644, A replaced by G.
Protein change: p.Glu548=; no amino-acid change (glutamic acid 548 retained).
Molecular consequence: synonymous variant.
Genome position (GRCh38, 1-based): chr12:124,912,128, T>C on the plus strand (A>G on the coding strand, the complement: UBC is on the minus strand). VCF-style: chr12-124912128-T-C. GRCh37 (hg19) VCF-style: chr12-125396674-T-C.
Identifiers: ClinVar variation 4084067 (VCV004084067.8).